The following is an entry in ClinVar:

ClinVar aggregate classification (germline): Uncertain significance (0 of 4 stars; one submission).

Conditions:
NEFH-related disorder. Also called: NEFH-related condition.

gnomAD v4.1: 2 of 1,599,164 alleles (0.00013%); highest among the groups gnomAD compares: South Asian, 0.0011%; no homozygotes.

Submission:

PreventionGenetics, part of Exact Sciences
Classification: Uncertain significance for NEFH-related condition. Last evaluated: 2024-04-01. Review status: no assertion criteria provided. Collection method: clinical testing. Allele origin: germline.
Comment: The NEFH c.1859C>G variant is predicted to result in the amino acid substitution p.Ser620Cys. To our knowledge, this variant has not been reported in the literature or in a large population database, indicating this variant is rare. At this time, the clinical significance of this variant is uncertain due to the absence of conclusive functional and genetic evidence.

NM_021076.4(NEFH):c.1859C>G (p.Ser620Cys)

Gene: NEFH (neurofilament heavy chain; plus strand). Cytogenetic location: 22q12.2.
Variant type: single nucleotide variant.
Coding change: c.1859C>G on transcript NM_021076.4 (MANE Select); coding-DNA position 1859, C replaced by G.
Protein change: p.Ser620Cys; replaces serine 620 with cysteine.
Molecular consequence: missense variant.
Genome position (GRCh38, 1-based): chr22:29,489,499, C>G. VCF-style: chr22-29489499-C-G. GRCh37 (hg19) VCF-style: chr22-29885488-C-G.
Other names: short protein forms S620C.
Identifiers: ClinVar variation 3352452 (VCV003352452.1).